The following is an entry in ClinVar:

ClinVar aggregate classification (germline): Likely benign (1 of 4 stars; one submission).

Submission:

CeGaT Center for Human Genetics Tuebingen
Classification: Likely benign. Last evaluated: 2025-11-01. Review status: criteria provided, single submitter. Criteria: CeGaT Center For Human Genetics Tuebingen Variant Classification Criteria Version 2. Collection method: clinical testing. Allele origin: germline. Affected: yes. Observed: 1 variant allele.
Comment: SPEG: BP4, BP7

NM_005876.5(SPEG):c.4435T>C (p.Leu1479=)

Gene: SPEG (striated muscle enriched protein kinase; plus strand). Cytogenetic location: 2q35.
Variant type: single nucleotide variant.
Coding change: c.4435T>C on transcript NM_005876.5 (MANE Select); coding-DNA position 4435, T replaced by C.
Protein change: p.Leu1479=; no amino-acid change (leucine 1479 retained).
Molecular consequence: synonymous variant.
Genome position (GRCh38, 1-based): chr2:219,473,891, T>C. VCF-style: chr2-219473891-T-C. GRCh37 (hg19) VCF-style: chr2-220338613-T-C.
Identifiers: ClinVar variation 4533886 (VCV004533886.6).